The following is an entry in ClinVar:

NM_000445.5(PLEC):c.-6-18dup

Gene: PLEC (plectin; minus strand). Cytogenetic location: 8q24.3.
Variant type: Duplication.
Coding change: c.-6-18dup on transcript NM_000445.5; 18 bases into the intron before 6 bases upstream of the start codon, one base duplicated (C; older notation c.-6-18dupC).
Molecular consequence: intron variant.
Genome position (GRCh38, 1-based): chr8:143,975,393, G duplicated on the plus strand (C on the coding strand, the reverse complement: PLEC is on the minus strand); the first of 4 consecutive G bases (chr8:143,975,393-143,975,396); duplicating any one gives the same sequence. VCF-style (leftmost placement, unchanged base first): chr8-143975392-A-AG. GRCh37 (hg19) VCF-style: chr8-145049560-A-AG.
Other names: c.-6-18dupC (NM_000445.3); c.-6-18dup (NM_001410941.1).
Identifiers: ClinVar variation 422175 (VCV000422175.3), dbSNP rs782061673, ClinGen allele CA4929194.
Genomic context (GRCh38, chr8:143,975,392, plus strand): 5'-TCAGAGACTGCCCGGACCTCAGCGTCCTCACCCGACATGGCCTCCTGGAAGGGGAGCAGG[A>AG]GGGGTCACATCTCTGCCTGTTCAGGAGTGGACTCTGCACGCCGACCCACCCACCACCTTC-3'

ClinVar aggregate classification (germline): Likely benign (1 of 4 stars; one submission).

Submission:

GeneDx
Classification: Likely benign. Last evaluated: 2017-05-26. Review status: criteria provided, single submitter. Criteria: GeneDx Variant Classification (06012015). Collection method: clinical testing. Allele origin: germline. Affected: yes.
Comment: This variant is considered likely benign or benign based on one or more of the following criteria: it is a conservative change, it occurs at a poorly conserved position in the protein, it is predicted to be benign by multiple in silico algorithms, and/or has population frequency not consistent with disease.